The following is an entry in ClinVar:

NM_017534.6(MYH2):c.484G>A (p.Ala162Thr)

Genes: MYHAS (myosin heavy chain gene cluster antisense RNA; plus strand), MYH2 (myosin heavy chain 2; minus strand). Cytogenetic location: 17p13.1.
Variant type: single nucleotide variant.
Coding change: c.484G>A on transcript NM_017534.6 (MANE Select); coding-DNA position 484, G replaced by A.
Protein change: p.Ala162Thr; replaces alanine 162 with threonine.
Molecular consequence: missense variant.
Genome position (GRCh38, 1-based): chr17:10,545,367, C>T on the plus strand (G>A on the coding strand, the complement: MYH2 is on the minus strand). VCF-style: chr17-10545367-C-T. GRCh37 (hg19) VCF-style: chr17-10448684-C-T.
Other names: c.484G>A (NM_017534.5); c.484G>A, p.Ala162Thr (NM_001100112.2); short protein forms A162T.
Identifiers: ClinVar variation 2878795 (VCV002878795.5), dbSNP rs751560989, ClinGen allele CA8391631.

ClinVar aggregate classification (germline): Uncertain significance. Review status: criteria provided, multiple submitters, no conflicts (2 of 4 stars). 3 submissions from 3 submitters: Uncertain significance (2). 1 of the submissions does not count toward it. Last evaluated 2025-11-16.

Conditions:
Inborn genetic diseases. Identifiers: MedGen C0950123, MeSH D030342.
Myopathy, proximal, and ophthalmoplegia (CMYO6). Also called: MYOPATHY WITH CONGENITAL JOINT CONTRACTURES, OPHTHALMOPLEGIA, AND RIMMED VACUOLES; CONGENITAL MYOPATHY 6 WITH OPHTHALMOPLEGIA; INCLUSION BODY MYOPATHY 3, AUTOSOMAL DOMINANT. Identifiers: Orphanet 363677, Orphanet 79091, MedGen C1854106, MONDO:0011577, OMIM 605637.
MYH2-related disorder. Also called: MYH2-related condition.

Allele frequency attached by ClinVar (database versions not stated): ExAC 0.00002; gnomAD exomes 0.00002; gnomAD 0.00003.
gnomAD v4.1: 30 of 1,613,656 alleles (0.0019%); highest among the groups gnomAD compares: African/African-American, 0.004%; no homozygotes.

Submissions (3):

Labcorp Genetics (formerly Invitae), Labcorp
Classification: Uncertain significance for Myopathy, proximal, and ophthalmoplegia. Last evaluated: 2025-11-16. Review status: criteria provided, single submitter. Criteria: Invitae Variant Classification Sherloc (09022015). Collection method: clinical testing. Allele origin: germline.
Comment: This sequence change replaces alanine, which is neutral and non-polar, with threonine, which is neutral and polar, at codon 162 of the MYH2 protein (p.Ala162Thr). This variant is present in population databases (rs751560989, gnomAD 0.004%). This variant has not been reported in the literature in individuals affected with MYH2-related conditions. ClinVar contains an entry for this variant (Variation ID: 2878795). Invitae Evidence Modeling of protein sequence and biophysical properties (such as structural, functional, and spatial information, amino acid conservation, physicochemical variation, residue mobility, and thermodynamic stability) indicates that this missense variant is expected to disrupt MYH2 protein function with a positive predictive value of 80%. In summary, the available evidence is currently insufficient to determine the role of this variant in disease. Therefore, it has been classified as a Variant of Uncertain Significance.

Ambry Genetics
Classification: Uncertain significance for Inborn genetic diseases. Last evaluated: 2024-08-02. Review status: criteria provided, single submitter. Criteria: Ambry Variant Classification Scheme 2023. Collection method: clinical testing. Allele origin: germline.

PreventionGenetics, part of Exact Sciences
Classification: Uncertain significance for MYH2-related condition. Last evaluated: 2024-05-24. Review status: no assertion criteria provided. Collection method: clinical testing. Allele origin: germline. Not counted in ClinVar's aggregate classification.
Comment: The MYH2 c.484G>A variant is predicted to result in the amino acid substitution p.Ala162Thr. To our knowledge, this variant has not been reported in the literature. This variant is reported in 0.0040% of alleles in individuals of European (Finnish) descent in gnomAD. At this time, the clinical significance of this variant is uncertain due to the absence of conclusive functional and genetic evidence.